The following is an entry in ClinVar:

NM_007294.4(BRCA1):c.5070A>T (p.Lys1690Asn)

Gene: BRCA1 (BRCA1 DNA repair associated; minus strand). Cytogenetic location: 17q21.31.
Variant type: single nucleotide variant.
Coding change: c.5070A>T on transcript NM_007294.4 (MANE Select); coding-DNA position 5070, A replaced by T.
Protein change: p.Lys1690Asn; replaces lysine 1690 with asparagine.
Molecular consequence: missense variant. On other transcripts: non-coding transcript variant (1).
Genome position (GRCh38, 1-based): chr17:43,067,612, T>A on the plus strand (A>T on the coding strand, the complement: BRCA1 is on the minus strand). VCF-style: chr17-43067612-T-A. GRCh37 (hg19) VCF-style: chr17-41219629-T-A.
Other names: c.5067A>T, p.Lys1689Asn (NM_001407610.1, NM_001407611.1, NM_001407622.1 and 17 more transcripts); c.5064A>T, p.Lys1688Asn (NM_001407627.1, NM_001407628.1, NM_001407629.1 and 14 more transcripts); c.5061A>T, p.Lys1687Asn (NM_001407644.1, NM_001407645.1); c.5058A>T, p.Lys1686Asn (NM_001407646.1); c.5055A>T, p.Lys1685Asn (NM_001407647.1); c.5013A>T, p.Lys1671Asn (NM_001407648.1); c.5010A>T, p.Lys1670Asn (NM_001407649.1); c.5070A>T, p.Lys1690Asn (NM_001407652.1, NM_001407684.1, NM_001407854.1 and 8 more transcripts); and 70 more; short protein forms K1643N, K1711N, K1690N, K586N, K1561N, K1563N, K1579N, K1601N.
Identifiers: ClinVar variation 868590 (VCV000868590.3), dbSNP rs2052157151, ClinGen allele CA10591379.

Conditions:
Breast-ovarian cancer, familial, susceptibility to, 1 (BROVCA1). Also called: BRCA1 Hereditary Breast and Ovarian Cancer; OVARIAN CANCER, SUSCEPTIBILITY TO. Identifiers: Orphanet 145, MedGen C2676676, MONDO:0011450, OMIM 604370. Disease mechanism: loss of function.

Submission:

Brotman Baty Institute, University of Washington
No classification provided (evidence only). Condition: Breast-ovarian cancer, familial 1. Review status: no classification provided. Collection method: in vitro. Allele origin: not applicable. Functional consequence: functionally_normal.
ClinVar note: "not provided" was previously submitted as the classification for the variant. However, the classification appeared to be based only on an observation of functional data so it was converted to no classification on 2025-07-30.